The following is an entry in ClinVar:

ClinVar aggregate classification (germline): Benign/Likely benign. Review status: criteria provided, multiple submitters, no conflicts (2 of 4 stars). 6 submissions from 6 submitters: Benign (1); Likely benign (4). 1 of the submissions does not count toward it. Last evaluated 2026-01-05.

Conditions:
Inborn genetic diseases. Identifiers: MedGen C0950123, MeSH D030342.
ARID1B-Related Disorder. Identifiers: MedGen CN381337.
Coffin-Siris syndrome 1 (CSS1). Also called: Mental retardation, autosomal dominant 12; ARID1B-Related Coffin-Siris Syndrome. Identifiers: Orphanet 1465, MedGen C3281201, MONDO:0007617, OMIM 135900. Disease mechanism: gain of function.

Submissions (6):

Labcorp Genetics (formerly Invitae), Labcorp
Classification: Likely benign. Last evaluated: 2026-01-05. Review status: criteria provided, single submitter. Criteria: Invitae Variant Classification Sherloc (09022015). Collection method: clinical testing. Allele origin: germline.

Blueprint Genetics
Classification: Likely benign. Last evaluated: 2024-10-18. Review status: criteria provided, single submitter. Criteria: ACMG Guidelines, 2015. Collection method: clinical testing. Allele origin: germline.

GeneDx
Classification: Likely benign. Last evaluated: 2021-01-28. Review status: criteria provided, single submitter. Criteria: GeneDx Variant Classification Process June 2021. Collection method: clinical testing. Allele origin: germline. Affected: yes.
Comment: This variant is associated with the following publications: (PMID: 22405089)

Ambry Genetics
Classification: Benign for Inborn genetic diseases. Last evaluated: 2019-03-22. Review status: criteria provided, single submitter. Criteria: Ambry Variant Classification Scheme 2023. Collection method: clinical testing. Allele origin: germline.

Genetic Services Laboratory, University of Chicago
Classification: Likely benign. Last evaluated: 2016-11-21. Review status: criteria provided, single submitter. Criteria: ACMG Guidelines, 2015. Collection method: clinical testing. Allele origin: germline. Affected: no.

PreventionGenetics, part of Exact Sciences
Classification: Likely benign for ARID1B-related condition. Last evaluated: 2020-02-18. Review status: no assertion criteria provided. Collection method: clinical testing. Allele origin: germline. Not counted in ClinVar's aggregate classification.
Comment: This variant is classified as likely benign based on ACMG/AMP sequence variant interpretation guidelines (Richards et al. 2015 PMID: 25741868, with internal and published modifications).

NM_001374828.1(ARID1B):c.1227AGGAGGAGCAGGAGC[1] (p.411GAGAG[1])

Gene: ARID1B (AT-rich interaction domain 1B; plus strand). Cytogenetic location: 6q25.3.
Variant type: Microsatellite.
Coding change: c.1227AGGAGGAGCAGGAGC[1] on transcript NM_001374828.1 (MANE Select); one copy of the 15-base unit AGGAGGAGCAGGAGC starting at c.1227; the reference has two copies in a row; one copy, 15 bases deleted.
Protein change: p.411GAGAG[1].
Molecular consequence: inframe deletion.
Genome position (GRCh38, 1-based): chr6:156,778,922-156,778,936, AGGAGGAGCAGGAGC deleted; deleting any 15 consecutive bases within chr6:156,778,907-156,778,936 gives the same sequence; the position shown is the placement nearest the transcript's 3' end. VCF-style (leftmost placement, unchanged base first): chr6-156778906-GAGGAGGAGCAGGAGC-G. GRCh37 (hg19) VCF-style: chr6-157100040-GAGGAGGAGCAGGAGC-G.
Other names: c.993_1007delAGGAGGAGCAGGAGC (NM_020732.3); c.993_1007del (NM_020732.3); c.993_1007del15 (NM_020732.3); c.1227AGGAGGAGCAGGAGC[1], p.411GAGAG[1] (NM_001371656.1, NM_001374820.1, NM_017519.3).
Identifiers: ClinVar variation 434355 (VCV000434355.23), dbSNP rs773423003, ClinGen allele CA4066720.
Genomic context (GRCh38, chr6:156,778,906, plus strand): 5'-CGGGCGGCGGCGGCGGCGGCGGCGGCGGAGGAGGAGGAGGCAGCGGAGGAGGAGGAGGAG[GAGGAGGAGCAGGAGC>G]AGGAGGAGCAGGAGCGGGAGCTGTGGCGGCGGCGGCCGCGGCGGCGGCGGCAGCAGCAGG-3'